The following is an entry in ClinVar:

ClinVar aggregate classification (germline): Uncertain significance (0 of 4 stars; one submission).

Allele frequency attached by ClinVar (database versions not stated): ExAC 0.00002; gnomAD exomes 0.00002 and 0.00003; TOPMed 0.00002; gnomAD 0.00004; ESP Exome Variant Server 0.00008.
gnomAD v4.1: 57 of 1,613,566 alleles (0.0035%); highest among the groups gnomAD compares: Middle Eastern, 0.016%; no homozygotes.

Submission:

Department of Pathology and Laboratory Medicine, Sinai Health System
Classification: Uncertain significance. Review status: no assertion criteria provided. Collection method: clinical testing. Allele origin: unknown. Affected: yes. Study: The Canadian Open Genetics Repository (COGR).
Comment: The AKAP10 p.T38I variant was not identified in the literature nor was it identified in ClinVar. The variant was identified in dbSNP (ID: rs370198483) and in control databases in 5 of 282522 chromosomes at a frequency of 0.0000177 (Genome Aggregation Database March 6, 2019, v2.1.1). The variant was observed in the European (non-Finnish) population in 5 of 129138 chromosomes (freq: 0.000039), but was not observed in the African, Latino, Ashkenazi Jewish, East Asian, European (Finnish), Other, or South Asian populations. The p.T38 residue is conserved in in mammals but not in more distantly related organisms however computational analyses (PolyPhen-2, SIFT, MutationTaster, Revel, FATHMM, MetaLR, DANN) do not suggest a high likelihood of impact to the protein; this information is not predictive enough to rule out pathogenicity. The variant occurs outside of the splicing consensus sequence and in silico or computational prediction software programs (Splice AI exome) do not predict a difference in splicing. In summary, based on the above information the clinical significance of this variant cannot be determined with certainty at this time. This variant is classified as a variant of uncertain significance.

NM_007202.4(AKAP10):c.113C>T (p.Thr38Ile)

Gene: AKAP10 (A-kinase anchoring protein 10; minus strand). Cytogenetic location: 17p11.2.
Variant type: single nucleotide variant.
Coding change: c.113C>T on transcript NM_007202.4 (MANE Select); coding-DNA position 113, C replaced by T.
Protein change: p.Thr38Ile; replaces threonine 38 with isoleucine.
Molecular consequence: missense variant.
Genome position (GRCh38, 1-based): chr17:19,968,437, G>A on the plus strand (C>T on the coding strand, the complement: AKAP10 is on the minus strand). VCF-style: chr17-19968437-G-A. GRCh37 (hg19) VCF-style: chr17-19871750-G-A.
Other names: c.113C>T, p.Thr38Ile (NM_001330152.2); short protein forms T38I.
Identifiers: ClinVar variation 1048878 (VCV001048878.1), dbSNP rs370198483, ClinGen allele CA8446114.